The following is an entry in ClinVar:

ClinVar aggregate classification (germline): Uncertain significance (1 of 4 stars; one submission).

Conditions:
Intellectual disability, autosomal dominant 34 (NEDHSF). Also called: INTELLECTUAL DEVELOPMENTAL DISORDER, AUTOSOMAL DOMINANT 34; Ceramide Transporter Syndrome; NEURODEVELOPMENTAL DISORDER WITH HYPOTONIA, SPEECH DELAY, AND DYSMORPHIC FACIES; CERTRA SYNDROME. Identifiers: MedGen C4225156, MONDO:0014599, OMIM 616351.

Submission:

Neuberg Centre For Genomic Medicine, NCGM
Classification: Uncertain significance for Intellectual disability, autosomal dominant 34. Review status: criteria provided, single submitter. Criteria: ACMG Guidelines, 2015. Collection method: clinical testing. Allele origin: germline. Inheritance: Autosomal dominant inheritance. Affected: yes.
Comment: The missense c.853A>Gp.Arg285Gly variant in CERT1 gene has not been reported previously as a pathogenic variant nor as a benign variant, to our knowledge. This variant is novel not in any individuals in gnomAD Exomes and 1000 Genomes. The amino acid Arg at position 285 is changed to a Gly changing protein sequence and it might alter its composition and physico-chemical properties. The amino acid change p.Arg285Gly in CERT1 is predicted as conserved by GERP++ and PhyloP across 100 vertebrates. The variant is predicted as damaging by SIFT. For these reasons, this variant has been classified as Uncertain Significance.

NM_001379029.1(CERT1):c.853A>G (p.Arg285Gly)

Gene: CERT1 (ceramide transporter 1; minus strand). Cytogenetic location: 5q13.3.
Variant type: single nucleotide variant.
Coding change: c.853A>G on transcript NM_001379029.1 (MANE Select); coding-DNA position 853, A replaced by G.
Protein change: p.Arg285Gly; replaces arginine 285 with glycine.
Molecular consequence: missense variant.
Genome position (GRCh38, 1-based): chr5:75,411,088, T>C on the plus strand (A>G on the coding strand, the complement: CERT1 is on the minus strand). VCF-style: chr5-75411088-T-C. GRCh37 (hg19) VCF-style: chr5-74706913-T-C.
Other names: c.1237A>G, p.Arg413Gly (NM_001130105.1); c.853A>G, p.Arg285Gly (NM_001379002.1, NM_001379003.1, NM_001379004.1 and 2 more transcripts); short protein forms R285G, R413G.
Identifiers: ClinVar variation 3234988 (VCV003234988.1), dbSNP rs2479056502, ClinGen allele CA360149056.
Genomic context (GRCh38, chr5:75,411,088, plus strand): 5'-CAAAGTGGGATTTTTTCTTAAGTTCTGTCATTGCATTTTTATATGCTTCCTCTGTTCTTC[T>C]TTTCTTCTCAGTTTCCTATTAAAAAGAAGTGAAAAATCTGTAATTTGAGGCAGGCATTTT-3'
Protein context (NP_001365958.1, residues 275-295): KRLDKETEKK[Arg285Gly]RTEEAYKNAM